The following is an entry in ClinVar:

ClinVar aggregate classification (germline): Conflicting classifications of pathogenicity. Review status: criteria provided, conflicting classifications (1 of 4 stars). 2 submissions from 2 submitters: Pathogenic (1); Uncertain significance (1). Last evaluated 2025-01-30.

Conditions:
Hereditary cancer-predisposing syndrome. Also called: Neoplastic Syndromes, Hereditary; Tumor predisposition; Hereditary Cancer Syndrome; Hereditary neoplastic syndrome. Identifiers: Orphanet 140162, MedGen C0027672, MeSH D009386, MONDO:0015356.

Submissions (2):

Ambry Genetics
Classification: Uncertain significance for Hereditary cancer-predisposing syndrome. Last evaluated: 2025-01-30. Review status: criteria provided, single submitter. Criteria: Ambry Variant Classification Scheme 2023. Collection method: clinical testing. Allele origin: germline.
Comment: The c.2297dupA variant, located in coding exon 20 of the POLE gene, results from a duplication of A at nucleotide position 2297, causing a translational frameshift with a predicted alternate stop codon (p.Y766*). This alteration is expected to result in loss of function by premature protein truncation or nonsense-mediated mRNA decay. Although biallelic loss of function of POLE has been associated with autosomal recessive POLE deficiency, haploinsufficiency of POLE has not been established as a mechanism of disease for POLE-related polymerase proofreading-associated polyposis (PPAP) and POLE-related CMMRD-like syndrome. Based on the supporting evidence, this variant is expected to be causative of POLE deficiency when present along with a second pathogenic variant on the other allele; however, its clinical significance for PPAP and POLE-related CMMRD-like syndrome is unclear.

Labcorp Genetics (formerly Invitae), Labcorp
Classification: Pathogenic. Last evaluated: 2023-03-26. Review status: criteria provided, single submitter. Criteria: Invitae Variant Classification Sherloc (09022015). Collection method: clinical testing. Allele origin: germline.
Comment: For these reasons, this variant has been classified as Pathogenic. This premature translational stop signal has been observed in individual(s) with breast cancer (PMID: 32792570). This variant is not present in population databases (gnomAD no frequency). This sequence change creates a premature translational stop signal (p.Tyr766*) in the POLE gene. It is expected to result in an absent or disrupted protein product. Loss-of-function variants in POLE are known to be pathogenic (PMID: 23230001, 25948378, 30503519).

Literature cited by the submitters: PubMed 32792570 (cited by Labcorp Genetics (formerly Invitae), Labcorp); PubMed 23230001 (cited by Labcorp Genetics (formerly Invitae), Labcorp); PubMed 25948378 (cited by Labcorp Genetics (formerly Invitae), Labcorp); PubMed 30503519 (cited by Labcorp Genetics (formerly Invitae), Labcorp).

NM_006231.4(POLE):c.2297dup (p.Tyr766Ter)

Gene: POLE (DNA polymerase epsilon, catalytic subunit; minus strand). Cytogenetic location: 12q24.33.
Variant type: Duplication.
Coding change: c.2297dup on transcript NM_006231.4 (MANE Select); coding-DNA position 2297, one base duplicated (A; older notation c.2297dupA).
Protein change: p.Tyr766Ter; replaces tyrosine 766 with a stop codon.
Molecular consequence: nonsense.
Genome position (GRCh38, 1-based): chr12:132,667,525, T duplicated on the plus strand (A on the coding strand, the reverse complement: POLE is on the minus strand). VCF-style (leftmost placement, unchanged base first): chr12-132667524-G-GT. GRCh37 (hg19) VCF-style: chr12-133244110-G-GT.
Other names: c.2297dupA (NM_006231.2); short protein forms Y766*.
Identifiers: ClinVar variation 2780259 (VCV002780259.4), dbSNP rs2042823464, ClinGen allele CA1139662982.